The following is an entry in ClinVar:

NM_001130009.3(GEN1):c.2126C>G (p.Ala709Gly)

Gene: GEN1 (GEN1 Holliday junction 5' flap endonuclease; plus strand). Cytogenetic location: 2p24.2.
Variant type: single nucleotide variant.
Coding change: c.2126C>G on transcript NM_001130009.3 (MANE Select); coding-DNA position 2126, C replaced by G.
Protein change: p.Ala709Gly; replaces alanine 709 with glycine.
Molecular consequence: missense variant.
Genome position (GRCh38, 1-based): chr2:17,781,338, C>G. VCF-style: chr2-17781338-C-G. GRCh37 (hg19) VCF-style: chr2-17962605-C-G.
Other names: c.2126C>G, p.Ala709Gly (NM_182625.5); short protein forms A709G.
Identifiers: ClinVar variation 4263059 (VCV004263059.1).

ClinVar aggregate classification (germline): Uncertain significance (1 of 4 stars; one submission).

gnomAD v4.1: 1 of 1,613,672 alleles (0.000062%); highest among the groups gnomAD compares: Non-Finnish European, 0.000085%; no homozygotes.

Submission:

Ambry Genetics
Classification: Uncertain significance. Last evaluated: 2025-08-02. Review status: criteria provided, single submitter. Criteria: Ambry Variant Classification Scheme 2023. Collection method: clinical testing. Allele origin: germline.
Comment: The p.A709G variant (also known as c.2126C>G), located in coding exon 13 of the GEN1 gene, results from a C to G substitution at nucleotide position 2126. The alanine at codon 709 is replaced by glycine, an amino acid with similar properties. This amino acid position is conserved. In addition, this alteration is predicted to be tolerated by in silico analysis. Based on the available evidence, the clinical significance of this variant remains unclear.